The following is an entry in ClinVar:

NM_005228.5(EGFR):c.3497G>T (p.Ser1166Ile)

Gene: EGFR (epidermal growth factor receptor; plus strand). Cytogenetic location: 7p11.2.
Variant type: single nucleotide variant.
Coding change: c.3497G>T on transcript NM_005228.5 (MANE Select); coding-DNA position 3497, G replaced by T.
Protein change: p.Ser1166Ile; replaces serine 1166 with isoleucine.
Molecular consequence: missense variant.
Genome position (GRCh38, 1-based): chr7:55,205,481, G>T. VCF-style: chr7-55205481-G-T. GRCh37 (hg19) VCF-style: chr7-55273174-G-T.
Other names: c.3362G>T, p.Ser1121Ile (NM_001346899.2); c.3338G>T, p.Ser1113Ile (NM_001346900.2); c.2696G>T, p.Ser899Ile (NM_001346941.2); short protein forms S1113I, S899I, S1166I, S1121I.
Identifiers: ClinVar variation 3661957 (VCV003661957.3).

ClinVar aggregate classification (germline): Uncertain significance. Review status: criteria provided, multiple submitters, no conflicts (2 of 4 stars). 2 submissions from 2 submitters: Uncertain significance (2). Last evaluated 2025-03-22.

Conditions:
EGFR-related lung cancer (EGFR). Identifiers: MedGen CN130014.
Hereditary cancer-predisposing syndrome. Also called: Hereditary Cancer Syndrome; Tumor predisposition; Hereditary neoplastic syndrome; Neoplastic Syndromes, Hereditary. Identifiers: Orphanet 140162, MedGen C0027672, MeSH D009386, MONDO:0015356.

Submissions (2):

Ambry Genetics
Classification: Uncertain significance for Hereditary cancer-predisposing syndrome. Last evaluated: 2025-03-22. Review status: criteria provided, single submitter. Criteria: Ambry Variant Classification Scheme 2023. Collection method: clinical testing. Allele origin: germline.
Comment: The p.S1166I variant (also known as c.3497G>T), located in coding exon 28 of the EGFR gene, results from a G to T substitution at nucleotide position 3497. The serine at codon 1166 is replaced by isoleucine, an amino acid with dissimilar properties. This amino acid position is conserved. In addition, this alteration is predicted to be tolerated by in silico analysis. Based on the available evidence, the clinical significance of this variant remains unclear.

Labcorp Genetics (formerly Invitae), Labcorp
Classification: Uncertain significance for EGFR-related lung cancer. Last evaluated: 2024-08-11. Review status: criteria provided, single submitter. Criteria: Invitae Variant Classification Sherloc (09022015). Collection method: clinical testing. Allele origin: germline.
Comment: This sequence change replaces serine, which is neutral and polar, with isoleucine, which is neutral and non-polar, at codon 1166 of the EGFR protein (p.Ser1166Ile). This variant is not present in population databases (gnomAD no frequency). This variant has not been reported in the literature in individuals affected with EGFR-related conditions. An algorithm developed to predict the effect of missense changes on protein structure and function (PolyPhen-2) suggests that this variant is likely to be disruptive. In summary, the available evidence is currently insufficient to determine the role of this variant in disease. Therefore, it has been classified as a Variant of Uncertain Significance.